The following is an entry in ClinVar:

NM_032409.3(PINK1):c.1265G>A (p.Arg422His)

Genes: PINK1 (PTEN induced kinase 1; plus strand), PINK1-AS (PINK1 antisense RNA; minus strand). Cytogenetic location: 1p36.12.
Variant type: single nucleotide variant.
Coding change: c.1265G>A on transcript NM_032409.3 (MANE Select); coding-DNA position 1265, G replaced by A.
Protein change: p.Arg422His; replaces arginine 422 with histidine.
Molecular consequence: missense variant. On other transcripts: non-coding transcript variant (1).
Genome position (GRCh38, 1-based): chr1:20,649,008, G>A. VCF-style: chr1-20649008-G-A. GRCh37 (hg19) VCF-style: chr1-20975501-G-A.
Other names: p.Arg422His; short protein forms R422H.
Identifiers: ClinVar variation 2042262 (VCV002042262.2), dbSNP rs201491485, ClinGen allele CA660784.

ClinVar aggregate classification (germline): Uncertain significance. Review status: criteria provided, multiple submitters, no conflicts (2 of 4 stars). 2 submissions from 2 submitters: Uncertain significance (2). Last evaluated 2023-04-19.

Conditions:
Autosomal recessive early-onset Parkinson disease 6 (PARK6). Also called: PARKINSON DISEASE 6, EARLY-ONSET; PINK1 Type of Young-Onset Parkinson Disease; PARKINSON DISEASE 6, MODIFIER OF; PINK1-Related Parkinson Disease. Identifiers: Orphanet 2828, MedGen C1853833, MONDO:0011613, OMIM 605909.

Allele frequency attached by ClinVar (database versions not stated): gnomAD 0.00005; ExAC 0.00006; TOPMed 0.00006; gnomAD exomes 0.00011.
gnomAD v4.1: 163 of 1,613,254 alleles (0.01%); highest among the groups gnomAD compares: Non-Finnish European, 0.013%; no homozygotes.

Submissions (2):

Mayo Clinic Laboratories, Mayo Clinic
Classification: Uncertain significance. Last evaluated: 2023-04-19. Review status: criteria provided, single submitter. Criteria: ACMG Guidelines, 2015. Collection method: clinical testing. Allele origin: germline. Observed: 1 variant allele.
Comment: BP4

Labcorp Genetics (formerly Invitae), Labcorp
Classification: Uncertain significance for Autosomal recessive early-onset Parkinson disease 6. Last evaluated: 2022-02-11. Review status: criteria provided, single submitter. Criteria: Invitae Variant Classification Sherloc (09022015). Collection method: clinical testing. Allele origin: germline.
Comment: This sequence change replaces arginine, which is basic and polar, with histidine, which is basic and polar, at codon 422 of the PINK1 protein (p.Arg422His). This variant is present in population databases (rs201491485, gnomAD 0.007%). This variant has not been reported in the literature in individuals affected with PINK1-related conditions. Algorithms developed to predict the effect of missense changes on protein structure and function output the following: SIFT: "Tolerated"; PolyPhen-2: "Benign"; Align-GVGD: "Class C0". The histidine amino acid residue is found in multiple mammalian species, which suggests that this missense change does not adversely affect protein function. In summary, the available evidence is currently insufficient to determine the role of this variant in disease. Therefore, it has been classified as a Variant of Uncertain Significance.